The following is an entry in ClinVar:

ClinVar aggregate classification (germline): Likely pathogenic (1 of 4 stars; one submission).

Conditions:
Chondrodysplasia punctata 2 X-linked dominant (CDPX2). Also called: CONRADI-HUNERMANN-HAPPLE SYNDROME; HAPPLE SYNDROME; Hunermann-Conradi Syndrome; EBP-Related X-Linked Chondrodysplasia Punctata. Identifiers: Orphanet 35173, MedGen C0282102, MONDO:0020603, OMIM 302960.

Submission:

Victorian Clinical Genetics Services, Murdoch Childrens Research Institute
Classification: Likely pathogenic for Chondrodysplasia punctata 2 X-linked dominant. Last evaluated: 2023-07-16. Review status: criteria provided, single submitter. Criteria: ACMG Guidelines, 2015. Collection method: clinical testing. Allele origin: germline. Inheritance: X-linked dominant inheritance. Affected: yes.
Comment: Based on the classification scheme VCGS_Germline_v1.3.4, this variant is classified as Likely Pathogenic. Following criteria are met: 0102 - Loss of function is a known mechanism of disease in this gene and is associated with X-linked dominant chondrodysplasia punctata (MIM#302960) and X-linked recessive MEND syndrome (MIM#300960). (I) 0108 - This gene is associated with both recessive and dominant disease (OMIM). (I) 0115 - Variants in this gene are known to have variable expressivity due to X-inactivation and associated with chondrodysplasia punctata (MIM#302960) (GeneReviews). (I) 0211 - Canonical splice site variant without proven consequence on splicing (no functional evidence available). (SP) 0251 - This variant is heterozygous. (I) 0301 - Variant is absent from gnomAD (both v2 and v3). (SP) 0505 - Abnormal splicing is predicted by in silico tools and affected nucleotide is highly conserved. (SP) 0704 - Another canonical splice variant comparable to the one identified in this case has limited previous evidence for pathogenicity. (SP) 0807 - This variant has no previous evidence of pathogenicity. (I) 0905 - No published segregation evidence has been identified for this variant. (I) 1007 - No published functional evidence has been identified for this variant. (I) 1101 - Very strong and specific phenotype match for this individual. (SP) 1207 - Inheritance information for this variant is not currently available in this individual. (I) Legend: (SP) - Supporting pathogenic, (I) - Information, (SB) - Supporting benign

Literature cited by the submitters: PubMed 26075358; PubMed 31034146.

NM_006579.3(EBP):c.470-2A>C

Gene: EBP (EBP cholestenol delta-isomerase; plus strand). Cytogenetic location: Xp11.23.
Variant type: single nucleotide variant.
Coding change: c.470-2A>C on transcript NM_006579.3 (MANE Select); the canonical splice acceptor site of the intron before coding-DNA position 470, A replaced by C.
Molecular consequence: splice acceptor variant.
Genome position (GRCh38, 1-based): chrX:48,528,232, A>C. VCF-style: chrX-48528232-A-C. GRCh37 (hg19) VCF-style: chrX-48386620-A-C.
Identifiers: ClinVar variation 3376737 (VCV003376737.1).